The following is an entry in ClinVar:

NM_020458.4(TTC7A):c.854A>G (p.Lys285Arg)

Gene: TTC7A (tetratricopeptide repeat domain 7A; plus strand). Cytogenetic location: 2p21.
Variant type: single nucleotide variant.
Coding change: c.854A>G on transcript NM_020458.4 (MANE Select); coding-DNA position 854, A replaced by G.
Protein change: p.Lys285Arg; replaces lysine 285 with arginine.
Molecular consequence: missense variant. On other transcripts: intron variant (1).
Genome position (GRCh38, 1-based): chr2:46,994,367, A>G. VCF-style: chr2-46994367-A-G. GRCh37 (hg19) VCF-style: chr2-47221506-A-G.
Other names: c.854A>G, p.Lys285Arg (NM_001288951.2); c.752A>G, p.Lys251Arg (NM_001288953.2); c.-61-769A>G (NM_001288955.2); short protein forms K251R, K285R.
Identifiers: ClinVar variation 1460495 (VCV001460495.7), dbSNP rs1178621550, ClinGen allele CA346713319.

ClinVar aggregate classification (germline): Uncertain significance (1 of 4 stars; one submission).

Conditions:
Multiple gastrointestinal atresias. Also called: Multiple intestinal atresia; FAMILIAL INTESTINAL POLYATRESIA SYNDROME. Identifiers: Orphanet 2300, MedGen C0220744, MONDO:0009465.

Allele frequency attached by ClinVar (database versions not stated): gnomAD 0.00001; gnomAD exomes 0.00001; TOPMed 0.00002.
gnomAD v4.1: 8 of 1,612,662 alleles (0.0005%); highest among the groups gnomAD compares: Middle Eastern, 0.017%; no homozygotes.

Submission:

Labcorp Genetics (formerly Invitae), Labcorp
Classification: Uncertain significance for Multiple gastrointestinal atresias. Last evaluated: 2024-11-05. Review status: criteria provided, single submitter. Criteria: Invitae Variant Classification Sherloc (09022015). Collection method: clinical testing. Allele origin: germline.
Comment: This sequence change replaces lysine, which is basic and polar, with arginine, which is basic and polar, at codon 285 of the TTC7A protein (p.Lys285Arg). This variant is present in population databases (no rsID available, gnomAD 0.0009%). This variant has not been reported in the literature in individuals affected with TTC7A-related conditions. ClinVar contains an entry for this variant (Variation ID: 1460495). Invitae Evidence Modeling of protein sequence and biophysical properties (such as structural, functional, and spatial information, amino acid conservation, physicochemical variation, residue mobility, and thermodynamic stability) indicates that this missense variant is not expected to disrupt TTC7A protein function with a negative predictive value of 80%. In summary, the available evidence is currently insufficient to determine the role of this variant in disease. Therefore, it has been classified as a Variant of Uncertain Significance.